The following is an entry in ClinVar:

NM_000318.3(PEX2):c.34_37del (p.Asn12fs)

Gene: PEX2 (peroxisomal biogenesis factor 2; minus strand). Cytogenetic location: 8q21.13.
Variant type: Deletion.
Coding change: c.34_37del on transcript NM_000318.3 (MANE Select); coding-DNA positions 34 to 37, 4 bases deleted (AACA; older notation c.34_37delAACA).
Protein change: p.Asn12fs; shifts the reading frame from asparagine 12.
Molecular consequence: frameshift variant.
Genome position (GRCh38, 1-based): chr8:76,984,142-76,984,145, TGTT deleted on the plus strand (AACA on the coding strand, the reverse complement: PEX2 is on the minus strand); deleting any 4 consecutive bases within chr8:76,984,142-76,984,147 gives the same sequence; the c. name uses the placement nearest the transcript's 3' end. VCF-style (leftmost placement, unchanged base first): chr8-76984141-CTGTT-C. GRCh37 (hg19) VCF-style: chr8-77896377-CTGTT-C.
Other names: c.34_37del, p.Asn12fs (NM_001079867.2, NM_001172086.2, NM_001172087.2); short protein forms N12fs.
Identifiers: ClinVar variation 941223 (VCV000941223.10), dbSNP rs1174648906, ClinGen allele CA583367335.

ClinVar aggregate classification (germline): Pathogenic/Likely pathogenic. Review status: criteria provided, multiple submitters, no conflicts (2 of 4 stars). 2 submissions from 2 submitters: Pathogenic (1); Likely pathogenic (1). Last evaluated 2023-10-11.

Conditions:
Peroxisome biogenesis disorder 5A (Zellweger) (PBD5A). Identifiers: Orphanet 912, MedGen C3553940, MONDO:0013932, OMIM 614866.

Submissions (2):

Baylor Genetics
Classification: Likely pathogenic for Peroxisome biogenesis disorder 5A (Zellweger). Last evaluated: 2023-10-11. Review status: criteria provided, single submitter. Criteria: ACMG Guidelines, 2015. Collection method: clinical testing. Allele origin: unknown.

Labcorp Genetics (formerly Invitae), Labcorp
Classification: Pathogenic for Peroxisome biogenesis disorder 5A (Zellweger). Last evaluated: 2022-11-29. Review status: criteria provided, single submitter. Criteria: Invitae Variant Classification Sherloc (09022015). Collection method: clinical testing. Allele origin: germline.
Comment: For these reasons, this variant has been classified as Pathogenic. This variant disrupts a region of the PEX2 protein in which other variant(s) (p.Arg119*) have been determined to be pathogenic (PMID: 1546315, 7681622, 9452066, 9585609, 10528859, 15542397, 21465523, 23430938). This suggests that this is a clinically significant region of the protein, and that variants that disrupt it are likely to be disease-causing. This sequence change creates a premature translational stop signal (p.Asn12Glufs*3) in the PEX2 gene. While this is not anticipated to result in nonsense mediated decay, it is expected to disrupt the last 294 amino acid(s) of the PEX2 protein. This variant is present in population databases (no rsID available, gnomAD 0.0009%). This variant has not been reported in the literature in individuals affected with PEX2-related conditions. ClinVar contains an entry for this variant (Variation ID: 941223).

Literature cited by the submitters: PubMed 1546315 (cited by Labcorp Genetics (formerly Invitae), Labcorp); PubMed 7681622 (cited by Labcorp Genetics (formerly Invitae), Labcorp); PubMed 9452066 (cited by Labcorp Genetics (formerly Invitae), Labcorp); PubMed 9585609 (cited by Labcorp Genetics (formerly Invitae), Labcorp); PubMed 10528859 (cited by Labcorp Genetics (formerly Invitae), Labcorp); PubMed 15542397 (cited by Labcorp Genetics (formerly Invitae), Labcorp); PubMed 21465523 (cited by Labcorp Genetics (formerly Invitae), Labcorp); PubMed 23430938 (cited by Labcorp Genetics (formerly Invitae), Labcorp).